The following is an entry in ClinVar:

NM_001349253.2(SCN11A):c.1744G>A (p.Ala582Thr)

Gene: SCN11A (sodium voltage-gated channel alpha subunit 11; minus strand). Cytogenetic location: 3p22.2.
Variant type: single nucleotide variant.
Coding change: c.1744G>A on transcript NM_001349253.2 (MANE Select); coding-DNA position 1744, G replaced by A.
Protein change: p.Ala582Thr; replaces alanine 582 with threonine.
Molecular consequence: missense variant.
Genome position (GRCh38, 1-based): chr3:38,903,963, C>T on the plus strand (G>A on the coding strand, the complement: SCN11A is on the minus strand). VCF-style: chr3-38903963-C-T. GRCh37 (hg19) VCF-style: chr3-38945454-C-T.
Other names: c.1744G>A, p.Ala582Thr (NM_014139.3); short protein forms A582T.
Identifiers: ClinVar variation 541582 (VCV000541582.21), dbSNP rs141228634, ClinGen allele CA2322222.

ClinVar aggregate classification (germline): Conflicting classifications of pathogenicity. Review status: criteria provided, conflicting classifications (1 of 4 stars). 8 submissions from 8 submitters: Uncertain significance (4); Likely benign (3). 1 of the submissions does not count toward it. Last evaluated 2026-06-17.

Conditions:
Inborn genetic diseases. Identifiers: MedGen C0950123, MeSH D030342.
Charcot-Marie-Tooth disease. Also called: Charcot-Marie-Tooth Hereditary Neuropathy; Charcot-Marie-Tooth Neuropathy. Identifiers: Orphanet 166, MedGen C0007959, MONDO:0015626.
SCN11A-related disorder. Also called: SCN11A-related condition.
Hereditary sensory and autonomic neuropathy type 7. Also called: Neuropathy, hereditary sensory and autonomic, type VII; HSAN VII. Identifiers: Orphanet 391397, MedGen C3809882, MONDO:0014244, OMIM 615548.
Familial episodic pain syndrome with predominantly lower limb involvement. Also called: Episodic pain syndrome, familial, 3. Identifiers: Orphanet 391384, Orphanet 391392, MedGen C3809899, MONDO:0014247, OMIM 615552.

Allele frequency attached by ClinVar (database versions not stated): TOPMed 0.00009; gnomAD 0.00011 and 0.00012; gnomAD exomes 0.00012 and 0.00015; ExAC 0.00015; ESP Exome Variant Server 0.00031.
gnomAD v4.1: 199 of 1,614,052 alleles (0.012%); highest among the groups gnomAD compares: Non-Finnish European, 0.016%; no homozygotes.

Submissions (8):

PreventionGenetics, part of Exact Sciences
Classification: Uncertain significance for SCN11A-related condition. Last evaluated: 2026-06-17. Review status: criteria provided, single submitter. Criteria: ACMG Guidelines, 2015. Collection method: clinical testing. Allele origin: germline.
Comment: The SCN11A c.1744G>A variant is predicted to result in the amino acid substitution p.Ala582Thr. This variant has been reported in an individual with painful peripheral neuropathy (Huang et al. 2014. PubMed ID: 24776970). A functional study has shown this variant impacts protein function (Zhou et al. 2017. PubMed ID: 29213238). This variant is reported in 0.026% of alleles in individuals of European (Non-Finnish) descent in gnomAD. Although we suspect that this variant may be benign, at this time, the clinical significance of this variant is uncertain due to the absence of conclusive functional and genetic evidence.

Labcorp Genetics (formerly Invitae), Labcorp
Classification: Uncertain significance for Familial episodic pain syndrome with predominantly lower limb involvement; Hereditary sensory and autonomic neuropathy type 7. Last evaluated: 2025-10-09. Review status: criteria provided, single submitter. Criteria: Invitae Variant Classification Sherloc (09022015). Collection method: clinical testing. Allele origin: germline.
Comment: This sequence change replaces alanine, which is neutral and non-polar, with threonine, which is neutral and polar, at codon 582 of the SCN11A protein (p.Ala582Thr). This variant is present in population databases (rs141228634, gnomAD 0.03%), and has an allele count higher than expected for a pathogenic variant. This missense change has been observed in individual(s) with painful peripheral neuropathy (PMID: 24776970). ClinVar contains an entry for this variant (Variation ID: 541582). Invitae Evidence Modeling of protein sequence and biophysical properties (such as structural, functional, and spatial information, amino acid conservation, physicochemical variation, residue mobility, and thermodynamic stability) indicates that this missense variant is not expected to disrupt SCN11A protein function with a negative predictive value of 80%. Experimental studies have shown that this missense change affects SCN11A function (PMID: 29213238). In summary, the available evidence is currently insufficient to determine the role of this variant in disease. Therefore, it has been classified as a Variant of Uncertain Significance.

Blueprint Genetics
Classification: Likely benign. Last evaluated: 2024-11-05. Review status: criteria provided, single submitter. Criteria: ACMG Guidelines, 2015. Collection method: clinical testing. Allele origin: germline.

Department of Pathology and Laboratory Medicine, Sinai Health System
Classification: Uncertain significance for Familial episodic pain syndrome with predominantly lower limb involvement; Hereditary sensory and autonomic neuropathy type 7. Last evaluated: 2022-08-03. Review status: criteria provided, single submitter. Criteria: ACMG Guidelines, 2015. Collection method: research. Allele origin: germline.

GeneDx
Classification: Likely benign. Last evaluated: 2021-02-03. Review status: criteria provided, single submitter. Criteria: GeneDx Variant Classification Process June 2021. Collection method: clinical testing. Allele origin: germline. Affected: yes.
Comment: This variant is associated with the following publications: (PMID: 30557356, 24776970, 26462871)

Mayo Clinic Laboratories, Mayo Clinic
Classification: Uncertain significance. Last evaluated: 2020-12-18. Review status: criteria provided, single submitter. Criteria: ACMG Guidelines, 2015. Collection method: clinical testing. Allele origin: germline. Observed: 1 variant allele.

Ambry Genetics
Classification: Likely benign for Inborn genetic diseases. Last evaluated: 2019-10-02. Review status: criteria provided, single submitter. Criteria: Ambry Variant Classification Scheme 2023. Collection method: clinical testing. Allele origin: germline.

Inherited Neuropathy Consortium
Classification: Uncertain significance for Charcot-Marie-Tooth disease. Review status: no assertion criteria provided. Collection method: literature only. Allele origin: germline. Affected: yes. Not counted in ClinVar's aggregate classification.

Literature cited by the submitters: PubMed 24776970 (cited by Labcorp Genetics (formerly Invitae), Labcorp and Inherited Neuropathy Consortium); PubMed 29213238 (cited by Labcorp Genetics (formerly Invitae), Labcorp).